The following is an entry in ClinVar:

NM_022552.5(DNMT3A):c.1155G>A (p.Pro385=)

Gene: DNMT3A (DNA methyltransferase 3 alpha; minus strand). Cytogenetic location: 2p23.3.
Variant type: single nucleotide variant.
Coding change: c.1155G>A on transcript NM_022552.5 (MANE Select); coding-DNA position 1155, G replaced by A.
Protein change: p.Pro385=; no amino-acid change (proline 385 retained).
Molecular consequence: synonymous variant. On other transcripts: non-coding transcript variant (1).
Genome position (GRCh38, 1-based): chr2:25,246,744, C>T on the plus strand (G>A on the coding strand, the complement: DNMT3A is on the minus strand). VCF-style: chr2-25246744-C-T. GRCh37 (hg19) VCF-style: chr2-25469613-C-T.
Other names: c.1155G>A (NM_022552.3); c.699G>A, p.Pro233= (NM_001320893.1); c.486G>A, p.Pro162= (NM_001375819.1); c.588G>A, p.Pro196= (NM_153759.3); c.1155G>A, p.Pro385= (NM_175629.2).
Identifiers: ClinVar variation 434953 (VCV000434953.45), dbSNP rs368009374, ClinGen allele CA1556117.
Genomic context (GRCh38, chr2:25,246,744, plus strand): 5'-GGGCTTGTTCTGCACCTCCACGGCCTTGGCAGTGTCACTCTCATCGCTGTCGTGGCACAC[C>T]GGGAACAGCTTCCCCGCGCGGCTGCTGGCCACCTGGAGGGTGACACGCCAGGGTTGGGGT-3'
Protein context (NP_072046.2, residues 375-395): VASSRAGKLF[Pro385=]VCHDSDESDT

ClinVar aggregate classification (germline): Conflicting classifications of pathogenicity. Review status: criteria provided, conflicting classifications (1 of 4 stars). 7 submissions from 7 submitters: Uncertain significance (1); Likely benign (5). 1 of the submissions does not count toward it. Last evaluated 2026-01-12.

Conditions:
Inborn genetic diseases. Identifiers: MedGen C0950123, MeSH D030342.
DNMT3A-related disorder. Also called: DNMT3A-related disorders; DNMT3A-related condition.
Tatton-Brown-Rahman overgrowth syndrome. Also called: Tall stature-intellectual disability-facial dysmorphism syndrome; Tatton-Brown-Rahman syndrome. Identifiers: Orphanet 404443, MedGen C4014545, MONDO:0014382, OMIM 615879.

Allele frequency attached by ClinVar (database versions not stated): gnomAD exomes 0.00016 and 0.00007; TOPMed 0.00017; gnomAD 0.00020 and 0.00016; ExAC 0.00008.
gnomAD v4.1: 206 of 1,613,710 alleles (0.013%); highest among the groups gnomAD compares: East Asian, 0.12%; 4 homozygotes.

Submissions (7):

Labcorp Genetics (formerly Invitae), Labcorp
Classification: Likely benign for Tatton-Brown-Rahman overgrowth syndrome. Last evaluated: 2026-01-12. Review status: criteria provided, single submitter. Criteria: Invitae Variant Classification Sherloc (09022015). Collection method: clinical testing. Allele origin: germline.

CeGaT Center for Human Genetics Tuebingen
Classification: Likely benign. Last evaluated: 2025-05-01. Review status: criteria provided, single submitter. Criteria: CeGaT Center For Human Genetics Tuebingen Variant Classification Criteria Version 2. Collection method: clinical testing. Allele origin: germline. Affected: yes. Observed: 2 variant alleles.
Comment: DNMT3A: BP4, BP7

Ambry Genetics
Classification: Likely benign for Inborn genetic diseases. Last evaluated: 2024-11-18. Review status: criteria provided, single submitter. Criteria: Ambry Variant Classification Scheme 2023. Collection method: clinical testing. Allele origin: germline.

Blueprint Genetics
Classification: Likely benign. Last evaluated: 2024-11-18. Review status: criteria provided, single submitter. Criteria: ACMG Guidelines, 2015. Collection method: clinical testing. Allele origin: germline.

GeneDx
Classification: Likely benign. Last evaluated: 2020-11-24. Review status: criteria provided, single submitter. Criteria: GeneDx Variant Classification Process June 2021. Collection method: clinical testing. Allele origin: germline. Affected: yes.

Genetic Services Laboratory, University of Chicago
Classification: Uncertain significance. Last evaluated: 2016-11-08. Review status: criteria provided, single submitter. Criteria: ACMG Guidelines, 2015. Collection method: clinical testing. Allele origin: germline. Affected: no.

PreventionGenetics, part of Exact Sciences
Classification: Likely benign for DNMT3A-related condition. Last evaluated: 2019-08-26. Review status: no assertion criteria provided. Collection method: clinical testing. Allele origin: germline. Not counted in ClinVar's aggregate classification.
Comment: This variant is classified as likely benign based on ACMG/AMP sequence variant interpretation guidelines (Richards et al. 2015 PMID: 25741868, with internal and published modifications).